The following is an entry in ClinVar:

NM_001365276.2(TNXB):c.6728A>T (p.His2243Leu)

Gene: TNXB (tenascin XB; minus strand). Cytogenetic location: 6p21.33.
Variant type: single nucleotide variant.
Coding change: c.6728A>T on transcript NM_001365276.2 (MANE Select); coding-DNA position 6728, A replaced by T.
Protein change: p.His2243Leu; replaces histidine 2243 with leucine.
Molecular consequence: missense variant.
Genome position (GRCh38, 1-based): chr6:32,064,934, T>A on the plus strand (A>T on the coding strand, the complement: TNXB is on the minus strand). VCF-style: chr6-32064934-T-A. GRCh37 (hg19) VCF-style: chr6-32032711-T-A.
Other names: p.His2243Leu; c.7469A>T, p.His2490Leu (NM_001428335.1); c.6728A>T, p.His2243Leu (NM_019105.8); short protein forms H2243L, H2490L.
Identifiers: ClinVar variation 4541139 (VCV004541139.1).

ClinVar aggregate classification (germline): Uncertain significance (1 of 4 stars; one submission).

gnomAD v4.1: 2 of 1,612,866 alleles (0.00012%); highest among the groups gnomAD compares: Non-Finnish European, 0.00017%; no homozygotes.

Submission:

Mayo Clinic Laboratories, Mayo Clinic
Classification: Uncertain significance. Last evaluated: 2025-07-24. Review status: criteria provided, single submitter. Criteria: ACMG Guidelines, 2015. Collection method: clinical testing. Allele origin: germline. Observed: 1 variant allele.
Comment: BP4, PM2_supporting